The following is an entry in ClinVar:

ClinVar aggregate classification (germline): Pathogenic. Review status: reviewed by expert panel (3 of 4 stars). 11 submissions from 11 submitters: Pathogenic (1). 10 of the submissions do not count toward it. Last evaluated 2016-09-08.

Conditions:
BRCA2-related disorder. Also called: BRCA2-related condition; BRCA2-related disorders. Identifiers: MedGen CN239275.
Hereditary cancer-predisposing syndrome. Also called: Tumor predisposition; Neoplastic Syndromes, Hereditary; Hereditary neoplastic syndrome; Hereditary Cancer Syndrome. Identifiers: Orphanet 140162, MedGen C0027672, MeSH D009386, MONDO:0015356.
Hereditary breast ovarian cancer syndrome. Also called: Hereditary breast and ovarian cancer syndrome; Hereditary breast and ovarian cancer; Hereditary breast and ovarian cancer syndrome (HBOC); Hereditary breast and/or ovarian cancer syndrome; BRCA1- and BRCA2-Associated Hereditary Breast and Ovarian Cancer; Breast and ovarian cancer. Identifiers: Orphanet 145, MedGen C0677776, MeSH D061325, MONDO:0003582. Disease mechanism: loss of function.
Breast-ovarian cancer, familial, susceptibility to, 2 (BROVCA2). Also called: BRCA2 Hereditary Breast and Ovarian Cancer. Identifiers: Orphanet 145, MedGen C2675520, MONDO:0012933, OMIM 612555. Disease mechanism: loss of function.

Allele frequency attached by ClinVar (database versions not stated): gnomAD exomes below 0.00001.
gnomAD v4.1: 2 of 1,585,818 alleles (0.00013%); highest among the groups gnomAD compares: African/African-American, 0.0014%; no homozygotes.

Submissions (11):

Evidence-based Network for the Interpretation of Germline Mutant Alleles (ENIGMA)
Classification: Pathogenic for Breast-ovarian cancer, familial, susceptibility to, 2. Last evaluated: 2016-09-08. Review status: reviewed by expert panel. Criteria: ENIGMA BRCA1/2 Classification Criteria (2015). Collection method: curation. Allele origin: germline.
Comment: Variant allele predicted to encode a truncated non-functional protein.

Labcorp Genetics (formerly Invitae), Labcorp
Classification: Pathogenic for Hereditary breast ovarian cancer syndrome. Last evaluated: 2026-01-16. Review status: criteria provided, single submitter. Criteria: Invitae Variant Classification Sherloc (09022015). Collection method: clinical testing. Allele origin: germline. Not counted in ClinVar's aggregate classification.
Comment: This sequence change creates a premature translational stop signal (p.Ser1720*) in the BRCA2 gene. It is expected to result in an absent or disrupted protein product. Loss-of-function variants in BRCA2 are known to be pathogenic (PMID: 20104584). This variant is not present in population databases (gnomAD no frequency). This variant has not been reported in the literature in individuals affected with BRCA2-related conditions. ClinVar contains an entry for this variant (Variation ID: 142608). For these reasons, this variant has been classified as Pathogenic.

PreventionGenetics, part of Exact Sciences
Classification: Pathogenic for BRCA2-related condition. Last evaluated: 2025-08-22. Review status: criteria provided, single submitter. Criteria: ACMG Guidelines, 2015. Collection method: clinical testing. Allele origin: germline. Not counted in ClinVar's aggregate classification.
Comment: The BRCA2 c.5159C>A variant is predicted to result in premature protein termination (p.Ser1720*). This variant has been reported in individuals with breast cancer (Barnes-Kedar et al 2018. PubMed ID: 30014164; Table S1, Kasugai et al. 2022. PubMed ID: 35218119). This variant has not been reported in a large population database, indicating this variant is rare, and is interpreted as pathogenic in ClinVar (Variation ID: 142608). Nonsense variants in BRCA2 are expected to be pathogenic. This variant is interpreted as pathogenic.

Institute of Human Genetics, Heidelberg University
Classification: Likely pathogenic for Breast-ovarian cancer, familial, susceptibility to, 2. Last evaluated: 2024-09-13. Review status: criteria provided, single submitter. Criteria: ACMG Guidelines, 2015. Collection method: clinical testing. Allele origin: paternal. Not counted in ClinVar's aggregate classification.

GeneDx
Classification: Pathogenic. Last evaluated: 2023-08-17. Review status: criteria provided, single submitter. Criteria: GeneDx Variant Classification Process June 2021. Collection method: clinical testing. Allele origin: germline. Affected: yes. Not counted in ClinVar's aggregate classification.
Comment: Nonsense variant predicted to result in protein truncation or nonsense mediated decay in a gene for which loss-of-function is a known mechanism of disease; Not observed at significant frequency in large population cohorts (gnomAD); Reported as pathogenic in a well-curated database but additional evidence is not available; Also known as 5387C>A; Observed in individuals with BRCA2-related cancers (Mandelker et al., 2017; Barnes-Kedar et al., 2018; Torrorey et al., 2020); This variant is associated with the following publications: (PMID: 28873162, 28152038, 30014164, 32231682, 30787465, 35278150, 35166990, 20104584)

Ambry Genetics
Classification: Pathogenic for Hereditary cancer-predisposing syndrome. Last evaluated: 2022-10-26. Review status: criteria provided, single submitter. Criteria: Ambry Variant Classification Scheme 2023. Collection method: clinical testing. Allele origin: germline. Not counted in ClinVar's aggregate classification.
Comment: The p.S1720* pathogenic mutation (also known as c.5159C>A), located in coding exon 10 of the BRCA2 gene, results from a C to A substitution at nucleotide position 5159. This changes the amino acid from a serine to a stop codon within coding exon 10. This alteration has been reported in a patient with prostate cancer (Mandelker D et al. JAMA, 2017 09;318:825-835). This variant is considered to be rare based on population cohorts in the Genome Aggregation Database (gnomAD). In addition to the clinical data presented in the literature, this alteration is expected to result in loss of function by premature protein truncation or nonsense-mediated mRNA decay. As such, this alteration is interpreted as a disease-causing mutation.

Color Diagnostics, LLC DBA Color Health
Classification: Pathogenic for Hereditary cancer-predisposing syndrome. Last evaluated: 2020-02-07. Review status: criteria provided, single submitter. Criteria: ACMG Guidelines, 2015. Collection method: clinical testing. Allele origin: germline. Not counted in ClinVar's aggregate classification.
Comment: This variant changes 1 nucleotide in exon 11 of the BRCA2 gene, creating a premature translation stop signal. This variant is expected to result in an absent or non-functional protein product. Splice site prediction tools suggest that this variant may not impact RNA splicing. To our knowledge, functional studies have not been performed for this variant. This variant has been reported in an individual affected with breast cancer (PMID: 30014164). This variant has not been identified in the general population by the Genome Aggregation Database (gnomAD). Loss of BRCA2 function is a known mechanism of disease. Based on the available evidence, this variant is classified as Pathogenic.

Quest Diagnostics Nichols Institute San Juan Capistrano
Classification: Pathogenic. Last evaluated: 2018-12-04. Review status: criteria provided, single submitter. Criteria: Quest Diagnostics criteria. Collection method: clinical testing. Allele origin: germline. Not counted in ClinVar's aggregate classification.
Comment: The variant creates a premature nonsense codon, and is therefore predicted to result in the loss of a functional protein. Found in at least one symptomatic patient, and not found in general population data.

Counsyl
Classification: Likely pathogenic for Breast-ovarian cancer, familial, susceptibility to, 2. Last evaluated: 2018-03-23. Review status: no assertion criteria provided. Collection method: clinical testing. Allele origin: unknown. Not counted in ClinVar's aggregate classification.

Sharing Clinical Reports Project (SCRP)
Classification: Pathogenic for Breast-ovarian cancer, familial 2. Last evaluated: 2009-10-27. Review status: no assertion criteria provided. Collection method: clinical testing. Allele origin: germline. Not counted in ClinVar's aggregate classification.

Department of Pathology and Laboratory Medicine, Sinai Health System
Classification: Pathogenic for Breast-ovarian cancer, familial, susceptibility to, 2. Review status: no assertion criteria provided. Collection method: clinical testing. Allele origin: unknown. Affected: yes. Observed: 1 variant allele. Study: The Canadian Open Genetics Repository (COGR). Not counted in ClinVar's aggregate classification.
Comment: The p.Ser1720X variant was identified in the Clinvar database with a pathogenic classification by Ambry Genetics. The variant was not identified in the literature, nor in any of the other databases searched (dbSNP, NHLBI Exome Sequencing Project (Exomae Variant Server), Exome Aggregation Consortium (ExAC) database, HGMD, COSMIC, BIC, LOVD, GeneInsight COGR database, or the UMD). The p.Ser1720X variant leads to a premature stop codon at position 1720, which is predicted to lead to a truncated or absent protein and loss of function. Loss of function variants of the BRCA2 gene are an established mechanism of disease in hereditary breast and ovarian cancer and is the type of variant expected to cause the disorder. In summary, based on the above information, this variant meets our laboratoryâ€šÃ„Ã´s criteria to be classified as pathogenic.

Literature cited by the submitters: PubMed 20104584 (cited by Labcorp Genetics (formerly Invitae), Labcorp); PubMed 28873162 (cited by Ambry Genetics and Quest Diagnostics Nichols Institute San Juan Capistrano); PubMed 28152038 (cited by Quest Diagnostics Nichols Institute San Juan Capistrano); PubMed 30014164 (cited by Quest Diagnostics Nichols Institute San Juan Capistrano).

NM_000059.4(BRCA2):c.5159C>A (p.Ser1720Ter)

Gene: BRCA2 (BRCA2 DNA repair associated; plus strand). Cytogenetic location: 13q13.1.
Variant type: single nucleotide variant.
Coding change: c.5159C>A on transcript NM_000059.4 (MANE Select); coding-DNA position 5159, C replaced by A.
Protein change: p.Ser1720Ter; replaces serine 1720 with a stop codon.
Molecular consequence: nonsense.
Genome position (GRCh38, 1-based): chr13:32,339,514, C>A. VCF-style: chr13-32339514-C-A. GRCh37 (hg19) VCF-style: chr13-32913651-C-A.
Other names: 5387C>A; short protein forms S1720*.
Identifiers: ClinVar variation 142608 (VCV000142608.65), dbSNP rs80358740, ClinGen allele CA021429.